The following is an entry in ClinVar:

NM_018109.3(MTPAP):c.-393G>T

Gene: MTPAP (mitochondrial poly(A) polymerase; minus strand). Cytogenetic location: 10p11.23.
Variant type: single nucleotide variant.
Coding change: c.-393G>T on transcript NM_018109.3; 393 bases upstream of the start codon, G replaced by T.
Genome position (GRCh38, 1-based): chr10:30,349,668, C>A on the plus strand (G>T on the coding strand, the complement: MTPAP is on the minus strand). VCF-style: chr10-30349668-C-A. GRCh37 (hg19) VCF-style: chr10-30638597-C-A.
Identifiers: ClinVar variation 684266 (VCV000684266.3), dbSNP rs2689212, ClinGen allele CA13262916.

ClinVar aggregate classification (germline): Benign (1 of 4 stars; one submission).

Allele frequency attached by ClinVar (database versions not stated): 1000 Genomes Project 0.18590; gnomAD 0.21041; 1000 Genomes Project 30x 0.18161; TOPMed 0.20574.

Submission:

GeneDx
Classification: Benign. Last evaluated: 2018-06-14. Review status: criteria provided, single submitter. Criteria: GeneDx Variant Classification (06012015). Collection method: clinical testing. Allele origin: germline. Affected: yes.
Comment: This variant is considered likely benign or benign based on one or more of the following criteria: it is a conservative change, it occurs at a poorly conserved position in the protein, it is predicted to be benign by multiple in silico algorithms, and/or has population frequency not consistent with disease.